The following is an entry in ClinVar:

ClinVar aggregate classification (germline): Pathogenic/Likely pathogenic. Review status: criteria provided, multiple submitters, no conflicts (2 of 4 stars). 2 submissions from 2 submitters: Pathogenic (1); Likely pathogenic (1). Last evaluated 2024-05-23.

Conditions:
Inborn genetic diseases. Identifiers: MedGen C0950123, MeSH D030342.

Submissions (2):

GeneDx
Classification: Likely pathogenic. Last evaluated: 2024-05-23. Review status: criteria provided, single submitter. Criteria: GeneDx Variant Classification Process June 2021. Collection method: clinical testing. Allele origin: germline. Affected: yes.
Comment: Frameshift variant predicted to result in protein truncation or nonsense mediated decay in a gene for which loss of function is a known mechanism of disease; Not observed at significant frequency in large population cohorts (gnomAD); Has not been previously published as pathogenic or benign to our knowledge

Ambry Genetics
Classification: Pathogenic for Inborn genetic diseases. Last evaluated: 2017-04-03. Review status: criteria provided, single submitter. Criteria: Ambry exome assertion method (8-5-2015). Collection method: clinical testing. Allele origin: germline. Affected: yes. Observed: 1 variant allele.

NM_001378183.1(PIEZO2):c.3780del (p.Cys1260fs)

Gene: PIEZO2 (piezo type mechanosensitive ion channel component 2; minus strand). Cytogenetic location: 18p11.22.
Variant type: Deletion.
Coding change: c.3780del on transcript NM_001378183.1 (MANE Select); coding-DNA position 3780, one base deleted (T; older notation c.3780delT).
Protein change: p.Cys1260fs; shifts the reading frame from cysteine 1260.
Molecular consequence: frameshift variant.
Genome position (GRCh38, 1-based): chr18:10,758,112, A deleted on the plus strand (T on the coding strand, the reverse complement: PIEZO2 is on the minus strand). VCF-style (leftmost placement, unchanged base first): chr18-10758111-CA-C. GRCh37 (hg19) VCF-style: chr18-10758109-CA-C.
Other names: c.3705del, p.Cys1235fs (NM_022068.4); c.3705delT (NM_022068.2); c.3705del (NM_022068.2); short protein forms C1235fs, C1260fs.
Identifiers: ClinVar variation 521667 (VCV000521667.5), dbSNP rs1555639568, ClinGen allele CA658799000.
Genomic context (GRCh38, chr18:10,758,111, plus strand): 5'-CTGCCATGATTCGCACTGCAGCCTTGTTCTCATCCTCAAAAATCTGCCGTTGTAAGGAGG[CA>C]CACAGAAGCAGCATGAAGTCATCTAACAAGACAGAGGTGAGATCATTAAGCCGCCTCATC-3'